The following is an entry in ClinVar:

GRCh37/hg19 16p13.3(chr16:2147318-2164328)

Gene: PKD1 (polycystin 1, transient receptor potential channel interacting; minus strand). Cytogenetic location: 16p13.3.
Variant type: copy number loss.
Identifiers: ClinVar variation 1179161 (VCV001179161.2).

ClinVar aggregate classification (germline): Pathogenic (0 of 4 stars; one submission).

Conditions:
Polycystic kidney disease, adult type (PKD1). Also called: POLYCYSTIC KIDNEY DISEASE 1 WITH OR WITHOUT POLYCYSTIC LIVER DISEASE; POLYCYSTIC KIDNEY DISEASE, ADULT, TYPE I; Polycystic Kidney Disease 1, Autosomal Dominant; Polycystic kidney disease 1; Polycystic kidney disease 1, severe; Polycystic Kidney, Autosomal Dominant. Identifiers: MedGen C3149841, MONDO:0008263, OMIM 173900.

Submission:

Fulgent Genetics
Classification: Pathogenic for Polycystic kidney disease, adult type. Review status: no assertion criteria provided. Collection method: clinical testing. Allele origin: unknown.
Comment: This variant has been detected in individual(s) who were sent for testing of Renasight - kidney gene panel.